The following is an entry in ClinVar:

ClinVar aggregate classification (germline): Benign. Review status: criteria provided, multiple submitters, no conflicts (2 of 4 stars). 2 submissions from 2 submitters: Benign (2). Last evaluated 2018-06-14.

Allele frequency attached by ClinVar (database versions not stated): 1000 Genomes Project 30x 0.46643; 1000 Genomes Project 0.46665; TOPMed 0.54933; gnomAD 0.55202 and 0.55777.
gnomAD v4.1: 83,976 of 152,084 alleles (55%); highest among the groups gnomAD compares: Non-Finnish European, 61%; 23,607 homozygotes.

Submissions (2):

GeneDx
Classification: Benign. Last evaluated: 2018-06-14. Review status: criteria provided, single submitter. Criteria: GeneDx Variant Classification (06012015). Collection method: clinical testing. Allele origin: germline. Affected: yes.
Comment: This variant is considered likely benign or benign based on one or more of the following criteria: it is a conservative change, it occurs at a poorly conserved position in the protein, it is predicted to be benign by multiple in silico algorithms, and/or has population frequency not consistent with disease.

Breakthrough Genomics
Classification: Benign. Review status: criteria provided, single submitter. Criteria: ACMG Guidelines, 2015. Collection method: not provided. Allele origin: germline. Inheritance: Autosomal recessive inheritance. Affected: yes.

NM_005002.5(NDUFA9):c.724-280A>G

Gene: NDUFA9 (NADH:ubiquinone oxidoreductase subunit A9; plus strand). Cytogenetic location: 12p13.32.
Variant type: single nucleotide variant.
Coding change: c.724-280A>G on transcript NM_005002.5 (MANE Select); 280 bases into the intron before coding-DNA position 724, A replaced by G.
Molecular consequence: intron variant.
Genome position (GRCh38, 1-based): chr12:4,669,461, A>G. VCF-style: chr12-4669461-A-G. GRCh37 (hg19) VCF-style: chr12-4778627-A-G.
Identifiers: ClinVar variation 682714 (VCV000682714.2), dbSNP rs2240762, ClinGen allele CA13577924.